The following is an entry in ClinVar:

NM_022437.3(ABCG8):c.1679C>T (p.Ser560Phe)

Gene: ABCG8 (ATP binding cassette subfamily G member 8; plus strand). Cytogenetic location: 2p21.
Variant type: single nucleotide variant.
Coding change: c.1679C>T on transcript NM_022437.3 (MANE Select); coding-DNA position 1679, C replaced by T.
Protein change: p.Ser560Phe; replaces serine 560 with phenylalanine.
Molecular consequence: missense variant.
Genome position (GRCh38, 1-based): chr2:43,875,336, C>T. VCF-style: chr2-43875336-C-T. GRCh37 (hg19) VCF-style: chr2-44102475-C-T.
Other names: c.1676C>T, p.Ser559Phe (NM_001357321.2); short protein forms S560F, S559F.
Identifiers: ClinVar variation 3020155 (VCV003020155.3), dbSNP rs2466283443, ClinGen allele CA346670573.

ClinVar aggregate classification (germline): Uncertain significance (1 of 4 stars; one submission).

Submission:

Labcorp Genetics (formerly Invitae), Labcorp
Classification: Uncertain significance. Last evaluated: 2023-10-18. Review status: criteria provided, single submitter. Criteria: Invitae Variant Classification Sherloc (09022015). Collection method: clinical testing. Allele origin: germline.
Comment: This sequence change replaces serine, which is neutral and polar, with phenylalanine, which is neutral and non-polar, at codon 560 of the ABCG8 protein (p.Ser560Phe). This variant is not present in population databases (gnomAD no frequency). This variant has not been reported in the literature in individuals affected with ABCG8-related conditions. Advanced modeling of protein sequence and biophysical properties (such as structural, functional, and spatial information, amino acid conservation, physicochemical variation, residue mobility, and thermodynamic stability) performed at Invitae indicates that this missense variant is not expected to disrupt ABCG8 protein function. In summary, the available evidence is currently insufficient to determine the role of this variant in disease. Therefore, it has been classified as a Variant of Uncertain Significance.